The following is an entry in ClinVar:

NM_033380.3(COL4A5):c.512del (p.Gly171fs)

Gene: COL4A5 (collagen type IV alpha 5 chain; plus strand). Cytogenetic location: Xq22.3.
Variant type: Deletion.
Coding change: c.512del on transcript NM_033380.3 (MANE Select); coding-DNA position 512, one base deleted (G; older notation c.512delG).
Protein change: p.Gly171fs; shifts the reading frame from glycine 171.
Molecular consequence: frameshift variant.
Genome position (GRCh38, 1-based): chrX:108,573,620, G deleted; the last of 3 consecutive G bases (chrX:108,573,618-108,573,620); deleting any one gives the same sequence. VCF-style (leftmost placement, unchanged base first): chrX-108573617-AG-A. GRCh37 (hg19) VCF-style: chrX-107816847-AG-A.
Other names: c.512del, p.Gly171fs (NM_000495.5); short protein forms G171fs.
Identifiers: ClinVar variation 4850502 (VCV004850502.1).

ClinVar aggregate classification (germline): Likely pathogenic (1 of 4 stars; one submission).

Conditions:
X-linked Alport syndrome (ATS1). Also called: COL4A5-Related Nephropathy; NEPHROPATHY AND DEAFNESS, X-LINKED. Identifiers: Orphanet 63, Orphanet 88917, MedGen C4746986, MONDO:0010520, OMIM 301050.

Submission:

Prenatal Diagnosis Center, The Affiliated Hospital of Qingdao University
Classification: Likely pathogenic for X-linked Alport syndrome. Last evaluated: 2026-05-08. Review status: criteria provided, single submitter. Criteria: ACMG Guidelines, 2015. Collection method: clinical testing. Allele origin: germline. Observed: 1 variant allele, 1 hemizygote.
Comment: The COL4A5 c.512del variant is a frameshift alteration located in the collagenous domain of COL4A5. This variant is predicted to result in a frameshift, altering glycine at position 171 to valine and introducing a premature termination codon 32 residues downstream, which likely leads to nonsense-mediated mRNA decay or production of a severely truncated, non-functional collagen IV α5 chain (PVS1). This variant is not present in large population databases such as gnomAD v4.0 (PM2). In summary, this variant meets criteria to be classified as Likely Pathogenic for X-linked Alport syndrome based on the ACMG/AMP criteria applied, as specified by the Alport syndrome ACMG refinement guidelines (Savige et al., 2021): PVS1, PM2.

Literature cited by the submitters: PubMed 33854215.